The following is an entry in ClinVar:

NM_001029883.3(PCARE):c.3312C>G (p.Asp1104Glu)

Gene: PCARE (photoreceptor cilium actin regulator; minus strand). Cytogenetic location: 2p23.2.
Variant type: single nucleotide variant.
Coding change: c.3312C>G on transcript NM_001029883.3 (MANE Select); coding-DNA position 3312, C replaced by G.
Protein change: p.Asp1104Glu; replaces aspartic acid 1104 with glutamic acid.
Molecular consequence: missense variant.
Genome position (GRCh38, 1-based): chr2:29,070,950, G>C on the plus strand (C>G on the coding strand, the complement: PCARE is on the minus strand). VCF-style: chr2-29070950-G-C. GRCh37 (hg19) VCF-style: chr2-29293816-G-C.
Other names: short protein forms D1104E.
Identifiers: ClinVar variation 1513708 (VCV001513708.6), dbSNP rs764321524, ClinGen allele CA1591964.

ClinVar aggregate classification (germline): Uncertain significance (1 of 4 stars; one submission).

gnomAD v4.1: 38 of 1,613,150 alleles (0.0024%); highest among the groups gnomAD compares: South Asian, 0.041%; no homozygotes.

Submission:

Labcorp Genetics (formerly Invitae), Labcorp
Classification: Uncertain significance. Last evaluated: 2021-05-05. Review status: criteria provided, single submitter. Criteria: Invitae Variant Classification Sherloc (09022015). Collection method: clinical testing. Allele origin: germline.
Comment: This variant is present in population databases (rs764321524, ExAC 0.04%). In summary, the available evidence is currently insufficient to determine the role of this variant in disease. Therefore, it has been classified as a Variant of Uncertain Significance. Algorithms developed to predict the effect of missense changes on protein structure and function are either unavailable or do not agree on the potential impact of this missense change (SIFT: "Tolerated"; PolyPhen-2: "Possibly Damaging"; Align-GVGD: "Class C0"). This variant has not been reported in the literature in individuals with PCARE-related conditions. This sequence change replaces aspartic acid with glutamic acid at codon 1104 of the PCARE protein (p.Asp1104Glu). The aspartic acid residue is moderately conserved and there is a small physicochemical difference between aspartic acid and glutamic acid.